The following is an entry in ClinVar:

NM_000059.4(BRCA2):c.7221T>A (p.Val2407=)

Gene: BRCA2 (BRCA2 DNA repair associated; plus strand). Cytogenetic location: 13q13.1.
Variant type: single nucleotide variant.
Coding change: c.7221T>A on transcript NM_000059.4 (MANE Select); coding-DNA position 7221, T replaced by A.
Protein change: p.Val2407=; no amino-acid change (valine 2407 retained).
Molecular consequence: synonymous variant.
Genome position (GRCh38, 1-based): chr13:32,355,074, T>A. VCF-style: chr13-32355074-T-A. GRCh37 (hg19) VCF-style: chr13-32929211-T-A.
Identifiers: ClinVar variation 1591737 (VCV001591737.11), dbSNP rs2137557016, ClinGen allele CA483439750.

ClinVar aggregate classification (germline): Likely benign. Review status: criteria provided, multiple submitters, no conflicts (2 of 4 stars). 3 submissions from 3 submitters: Likely benign (3). Last evaluated 2024-07-10.

Conditions:
Hereditary breast ovarian cancer syndrome. Also called: Hereditary breast and ovarian cancer syndrome; Hereditary breast and ovarian cancer syndrome (HBOC); BRCA1- and BRCA2-Associated Hereditary Breast and Ovarian Cancer; Hereditary breast and ovarian cancer; Breast and ovarian cancer; Hereditary breast and/or ovarian cancer syndrome. Identifiers: Orphanet 145, MedGen C0677776, MeSH D061325, MONDO:0003582. Disease mechanism: loss of function.
Hereditary cancer-predisposing syndrome. Also called: Tumor predisposition; Hereditary neoplastic syndrome; Neoplastic Syndromes, Hereditary; Hereditary Cancer Syndrome. Identifiers: Orphanet 140162, MedGen C0027672, MeSH D009386, MONDO:0015356.
BRCA2-related cancer predisposition. Identifiers: MedGen CN377758, MONDO:0700269.

Submissions (3):

All of Us Research Program, National Institutes of Health
Classification: Likely benign for BRCA2-related cancer predisposition. Last evaluated: 2024-07-10. Review status: criteria provided, single submitter. Criteria: ACMG Guidelines, 2015. Collection method: clinical testing. Allele origin: germline. Inheritance: Autosomal dominant inheritance. Observed: 1 variant allele, 1 heterozygote.
Comment: This study involves interpretation of variants in research participants for the purpose of population health screening. Participant phenotype was not available at the time of variant classification. Additional details can be found in publication PMID: 35346344, PMCID: PMC8962531

Ambry Genetics
Classification: Likely benign for Hereditary cancer-predisposing syndrome. Last evaluated: 2022-10-27. Review status: criteria provided, single submitter. Criteria: Ambry Variant Classification Scheme 2023. Collection method: clinical testing. Allele origin: germline.

Labcorp Genetics (formerly Invitae), Labcorp
Classification: Likely benign for Hereditary breast ovarian cancer syndrome. Last evaluated: 2021-08-02. Review status: criteria provided, single submitter. Criteria: Invitae Variant Classification Sherloc (09022015). Collection method: clinical testing. Allele origin: germline.